The following is an entry in ClinVar:

NC_000012.11:g.6128479_6128749delins[NC_000022.10:g.17178616_17178886]

Gene: VWF (von Willebrand factor; minus strand). Cytogenetic location: 12p13.31.
Variant type: Indel.
Identifiers: ClinVar variation 1065228 (VCV001065228.3).

ClinVar aggregate classification (germline): Pathogenic (0 of 4 stars; one submission).

Conditions:
von Willebrand disease type 3 (VWD3). Also called: Type 3 Von Willebrand's disease; Type 3 VWD; Von Willebrand disease, severe form; V WD3; VON WILLEBRAND DISEASE, TYPE III. Identifiers: Orphanet 166096, MedGen C1264041, MONDO:0010191, OMIM 277480.

Submission:

Angelo Bianchi Bonomi Hemophilia and Thrombosis Center, Fondazione IRCCS Ca Granda Ospedale Maggiore Policlinico
Classification: Pathogenic for von Willebrand disease type 3. Last evaluated: 2021-04-12. Review status: no assertion criteria provided. Collection method: clinical testing. Allele origin: germline. Affected: yes. Study: Type 3 Von Willebrand International Registries Inhibitor Prospective Study (3WINTERS-IPS).
Comment: CNV Interpretation Scoring Rubric: Copy Number LOSS

Literature cited by the submitters: PubMed 16115133.